The following is an entry in ClinVar:

NM_001183.6(ATP6AP1):c.826G>T (p.Val276Leu)

Gene: ATP6AP1 (ATPase H+ transporting accessory protein 1; plus strand). Cytogenetic location: Xq28.
Variant type: single nucleotide variant.
Coding change: c.826G>T on transcript NM_001183.6 (MANE Select); coding-DNA position 826, G replaced by T.
Protein change: p.Val276Leu; replaces valine 276 with leucine.
Molecular consequence: missense variant.
Genome position (GRCh38, 1-based): chrX:154,434,349, G>T. VCF-style: chrX-154434349-G-T. GRCh37 (hg19) VCF-style: chrX-153662695-G-T.
Other names: short protein forms V276L.
Identifiers: ClinVar variation 2789761 (VCV002789761.3), dbSNP rs1557197323, ClinGen allele CA415193771.

ClinVar aggregate classification (germline): Uncertain significance (1 of 4 stars; one submission).

Allele frequency attached by ClinVar (database versions not stated): TOPMed 0.00001.

Submission:

Labcorp Genetics (formerly Invitae), Labcorp
Classification: Uncertain significance. Last evaluated: 2023-09-23. Review status: criteria provided, single submitter. Criteria: Invitae Variant Classification Sherloc (09022015). Collection method: clinical testing. Allele origin: germline.
Comment: This sequence change replaces valine, which is neutral and non-polar, with leucine, which is neutral and non-polar, at codon 276 of the ATP6AP1 protein (p.Val276Leu). This variant is present in population databases (no rsID available, gnomAD 0.004%), including at least one homozygous and/or hemizygous individual. This variant has not been reported in the literature in individuals affected with ATP6AP1-related conditions. Advanced modeling of protein sequence and biophysical properties (such as structural, functional, and spatial information, amino acid conservation, physicochemical variation, residue mobility, and thermodynamic stability) performed at Invitae indicates that this missense variant is not expected to disrupt ATP6AP1 protein function. In summary, the available evidence is currently insufficient to determine the role of this variant in disease. Therefore, it has been classified as a Variant of Uncertain Significance.